The following is an entry in ClinVar:

ClinVar aggregate classification (germline): Uncertain significance (1 of 4 stars; one submission).

Conditions:
Hereditary cancer-predisposing syndrome. Also called: Hereditary neoplastic syndrome; Neoplastic Syndromes, Hereditary; Tumor predisposition; Hereditary Cancer Syndrome. Identifiers: Orphanet 140162, MedGen C0027672, MeSH D009386, MONDO:0015356.

Submission:

Ambry Genetics
Classification: Uncertain significance for Hereditary cancer-predisposing syndrome. Last evaluated: 2025-08-30. Review status: criteria provided, single submitter. Criteria: Ambry Variant Classification Scheme 2023. Collection method: clinical testing. Allele origin: germline.
Comment: The p.R560G variant (also known as c.1678A>G), located in coding exon 11 of the PDGFRA gene, results from an A to G substitution at nucleotide position 1678. The arginine at codon 560 is replaced by glycine, an amino acid with dissimilar properties. This amino acid position is conserved. In addition, this alteration is predicted to be deleterious by in silico analysis. Based on the available evidence, the clinical significance of this variant remains unclear.

NM_006206.6(PDGFRA):c.1678A>G (p.Arg560Gly)

Gene: PDGFRA (platelet derived growth factor receptor alpha; plus strand). Cytogenetic location: 4q12.
Variant type: single nucleotide variant.
Coding change: c.1678A>G on transcript NM_006206.6 (MANE Select); coding-DNA position 1678, A replaced by G.
Protein change: p.Arg560Gly; replaces arginine 560 with glycine.
Molecular consequence: missense variant.
Genome position (GRCh38, 1-based): chr4:54,274,865, A>G. VCF-style: chr4-54274865-A-G. GRCh37 (hg19) VCF-style: chr4-55141032-A-G.
Other names: c.1678A>G, p.Arg560Gly (NM_001347827.2, NM_001347829.2); c.1753A>G, p.Arg585Gly (NM_001347828.2); c.1717A>G, p.Arg573Gly (NM_001347830.2); short protein forms R573G, R560G, R585G.
Identifiers: ClinVar variation 4134016 (VCV004134016.1).